The following is an entry in ClinVar:

NM_001130823.3(DNMT1):c.252C>G (p.Ser84=)

Gene: DNMT1 (DNA methyltransferase 1; minus strand). Cytogenetic location: 19p13.2.
Variant type: single nucleotide variant.
Coding change: c.252C>G on transcript NM_001130823.3 (MANE Select); coding-DNA position 252, C replaced by G.
Protein change: p.Ser84=; no amino-acid change (serine 84 retained).
Molecular consequence: synonymous variant. On other transcripts: intron variant (1).
Genome position (GRCh38, 1-based): chr19:10,180,543, G>C on the plus strand (C>G on the coding strand, the complement: DNMT1 is on the minus strand). VCF-style: chr19-10180543-G-C. GRCh37 (hg19) VCF-style: chr19-10291219-G-C.
Other names: c.252C>G, p.Ser84= (NM_001318730.2, NM_001379.4); c.-98-14C>G (NM_001318731.2).
Identifiers: ClinVar variation 2017275 (VCV002017275.4), dbSNP rs2513893091, ClinGen allele CA505467585.

ClinVar aggregate classification (germline): Uncertain significance (1 of 4 stars; one submission).

Conditions:
Hereditary sensory neuropathy-deafness-dementia syndrome. Also called: Hereditary sensory neuropathy type IE; HSN IE; NEUROPATHY, HEREDITARY SENSORY, WITH HEARING LOSS AND DEMENTIA; Hereditary Sensory and Autonomic Neuropathy Type 1E (HSAN1E). Identifiers: Orphanet 456318, MedGen C3279885, MONDO:0013584, OMIM 614116.

Submission:

Labcorp Genetics (formerly Invitae), Labcorp
Classification: Uncertain significance for Hereditary sensory neuropathy-deafness-dementia syndrome. Last evaluated: 2022-10-06. Review status: criteria provided, single submitter. Criteria: Invitae Variant Classification Sherloc (09022015). Collection method: clinical testing. Allele origin: germline.
Comment: This variant is not present in population databases (gnomAD no frequency). This sequence change affects codon 84 of the DNMT1 mRNA. It is a 'silent' change, meaning that it does not change the encoded amino acid sequence of the DNMT1 protein. This variant has not been reported in the literature in individuals affected with DNMT1-related conditions. Algorithms developed to predict the effect of sequence changes on RNA splicing suggest that this variant may disrupt the consensus splice site. In summary, the available evidence is currently insufficient to determine the role of this variant in disease. Therefore, it has been classified as a Variant of Uncertain Significance.